The following is an entry in ClinVar:

ClinVar aggregate classification (germline): Likely pathogenic (1 of 4 stars; one submission).

Conditions:
SRD5A2-related disorder. Also called: SRD5A2-related condition.

Submission:

PreventionGenetics, part of Exact Sciences
Classification: Likely pathogenic for SRD5A2-related condition. Last evaluated: 2026-08-28. Review status: criteria provided, single submitter. Criteria: ACMG Guidelines, 2015. Collection method: clinical testing. Allele origin: germline.
Comment: The SRD5A2 c.291_295del5 variant is predicted to result in a frameshift and premature protein termination (p.Tyr98Thrfs*36). To our knowledge, this variant has not been reported in the literature or in a large population database (gnomAD), indicating this variant is rare. Frameshift variants in SRD5A2 are expected to be pathogenic. This variant is interpreted as likely pathogenic.

NM_000348.4(SRD5A2):c.291_295del (p.Tyr98fs)

Gene: SRD5A2 (steroid 5 alpha-reductase 2; minus strand). Cytogenetic location: 2p23.1.
Variant type: Deletion.
Coding change: c.291_295del on transcript NM_000348.4 (MANE Select); coding-DNA positions 291 to 295, 5 bases deleted (GTACT; older notation c.291_295delGTACT).
Protein change: p.Tyr98fs; shifts the reading frame from tyrosine 98.
Molecular consequence: frameshift variant.
Genome position (GRCh38, 1-based): chr2:31,533,753-31,533,757, AGTAC deleted on the plus strand (GTACT on the coding strand, the reverse complement: SRD5A2 is on the minus strand); deleting any 5 consecutive bases within chr2:31,533,753-31,533,758 gives the same sequence; the c. name uses the placement nearest the transcript's 3' end. VCF-style (leftmost placement, unchanged base first): chr2-31533752-GAGTAC-G. GRCh37 (hg19) VCF-style: chr2-31758822-GAGTAC-G.
Other names: short protein forms Y98fs.
Identifiers: ClinVar variation 4992155 (VCV004992155.1).